The following is an entry in ClinVar:

NM_001378454.1(ALMS1):c.8057C>T (p.Pro2686Leu)

Gene: ALMS1 (ALMS1 centrosome and basal body associated protein; plus strand). Cytogenetic location: 2p13.1.
Variant type: single nucleotide variant.
Coding change: c.8057C>T on transcript NM_001378454.1 (MANE Select); coding-DNA position 8057, C replaced by T.
Protein change: p.Pro2686Leu; replaces proline 2686 with leucine.
Molecular consequence: missense variant.
Genome position (GRCh38, 1-based): chr2:73,490,016, C>T. VCF-style: chr2-73490016-C-T. GRCh37 (hg19) VCF-style: chr2-73717143-C-T.
Other names: c.8060C>T, p.Pro2687Leu (NM_015120.4); short protein forms P2686L, P2687L.
Identifiers: ClinVar variation 1442420 (VCV001442420.6), dbSNP rs1269143077, ClinGen allele CA347267187.

ClinVar aggregate classification (germline): Uncertain significance. Review status: criteria provided, multiple submitters, no conflicts (2 of 4 stars). 3 submissions from 3 submitters: Uncertain significance (3). Last evaluated 2025-03-26.

Conditions:
Alstrom syndrome (ALMS). Identifiers: Orphanet 64, MedGen C0268425, MONDO:0008763, OMIM 203800.

Allele frequency attached by ClinVar (database versions not stated): gnomAD exomes below 0.00001.
gnomAD v4.1: 3 of 1,614,222 alleles (0.00019%); highest among the groups gnomAD compares: Admixed American, 0.0017%; no homozygotes.

Submissions (3):

Labcorp Genetics (formerly Invitae), Labcorp
Classification: Uncertain significance for Alstrom syndrome. Last evaluated: 2025-03-26. Review status: criteria provided, single submitter. Criteria: Invitae Variant Classification Sherloc (09022015). Collection method: clinical testing. Allele origin: germline.
Comment: This sequence change replaces proline, which is neutral and non-polar, with leucine, which is neutral and non-polar, at codon 2687 of the ALMS1 protein (p.Pro2687Leu). This variant is present in population databases (no rsID available, gnomAD 0.003%). This variant has not been reported in the literature in individuals affected with ALMS1-related conditions. ClinVar contains an entry for this variant (Variation ID: 1442420). Experimental studies and prediction algorithms are not available or were not evaluated, and the functional significance of this variant is currently unknown. In summary, the available evidence is currently insufficient to determine the role of this variant in disease. Therefore, it has been classified as a Variant of Uncertain Significance.

GeneDx
Classification: Uncertain significance. Last evaluated: 2022-08-19. Review status: criteria provided, single submitter. Criteria: GeneDx Variant Classification Process June 2021. Collection method: clinical testing. Allele origin: germline. Affected: yes.
Comment: Not observed at significant frequency in large population cohorts (gnomAD); In silico analysis supports that this missense variant has a deleterious effect on protein structure/function; Has not been previously published as pathogenic or benign to our knowledge

Fulgent Genetics
Classification: Uncertain significance for Alstrom syndrome. Last evaluated: 2021-08-24. Review status: criteria provided, single submitter. Criteria: ACMG Guidelines, 2015. Collection method: clinical testing. Allele origin: unknown.